The following is an entry in ClinVar:

ClinVar aggregate classification (germline): Uncertain significance (1 of 4 stars; one submission).

Conditions:
Brugada syndrome 8 (BRGDA8). Identifiers: Orphanet 130, MedGen C2751083, MONDO:0013148, OMIM 613123.

Submission:

Labcorp Genetics (formerly Invitae), Labcorp
Classification: Uncertain significance for Brugada syndrome 8. Last evaluated: 2025-06-02. Review status: criteria provided, single submitter. Criteria: Invitae Variant Classification Sherloc (09022015). Collection method: clinical testing. Allele origin: germline.
Comment: This sequence change replaces glutamic acid, which is acidic and polar, with glutamine, which is neutral and polar, at codon 694 of the HCN4 protein (p.Glu694Gln). Information on the frequency of this variant in the gnomAD database is not available, as this variant may be reported differently in the database. This variant has not been reported in the literature in individuals affected with HCN4-related conditions. ClinVar contains an entry for this variant (Variation ID: 2739663). Experimental studies and prediction algorithms are not available or were not evaluated, and the functional significance of this variant is currently unknown. In summary, the available evidence is currently insufficient to determine the role of this variant in disease. Therefore, it has been classified as a Variant of Uncertain Significance.

NM_005477.3(HCN4):c.2079_2080delinsTC (p.Glu694Gln)

Gene: HCN4 (hyperpolarization activated cyclic nucleotide gated potassium channel 4; minus strand). Cytogenetic location: 15q24.1.
Variant type: Indel.
Coding change: c.2079_2080delinsTC on transcript NM_005477.3 (MANE Select); coding-DNA positions 2079 to 2080, GG replaced by TC.
Protein change: p.Glu694Gln; replaces glutamic acid 694 with glutamine.
Molecular consequence: missense variant.
Genome position (GRCh38, 1-based): chr15:73,324,152-73,324,153, CC replaced by GA on the plus strand (GG replaced by TC on the coding strand, the reverse complement: HCN4 is on the minus strand). VCF-style: chr15-73324152-CC-GA. GRCh37 (hg19) VCF-style: chr15-73616493-CC-GA.
Other names: short protein forms E694Q.
Identifiers: ClinVar variation 2739663 (VCV002739663.3), dbSNP rs2549069448, ClinGen allele CA2697549183.